The following is an entry in ClinVar:

NM_001080477.4(TENM3):c.7871C>G (p.Ala2624Gly)

Gene: TENM3 (teneurin transmembrane protein 3; plus strand). Cytogenetic location: 4q35.1.
Variant type: single nucleotide variant.
Coding change: c.7871C>G on transcript NM_001080477.4 (MANE Select); coding-DNA position 7871, C replaced by G.
Protein change: p.Ala2624Gly; replaces alanine 2624 with glycine.
Molecular consequence: missense variant.
Genome position (GRCh38, 1-based): chr4:182,800,122, C>G. VCF-style: chr4-182800122-C-G. GRCh37 (hg19) VCF-style: chr4-183721275-C-G.
Other names: c.7103C>G, p.Ala2368Gly (NM_001415960.1); c.7076C>G, p.Ala2359Gly (NM_001415961.1); c.7073C>G, p.Ala2358Gly (NM_001415962.1); c.7055C>G, p.Ala2352Gly (NM_001415963.1); c.7052C>G, p.Ala2351Gly (NM_001415964.1); c.7589C>G, p.Ala2530Gly (NM_001415966.1); c.7613C>G, p.Ala2538Gly (NM_001415967.1); c.7889C>G, p.Ala2630Gly (NM_001415968.1); and 4 more; short protein forms A2351G, A2352G, A2358G, A2359G, A2368G, A2530G, A2531G, A2538G.
Identifiers: ClinVar variation 3048255 (VCV003048255.5), dbSNP rs199649207, ClinGen allele CA3149024.

ClinVar aggregate classification (germline): Conflicting classifications of pathogenicity. Review status: criteria provided, conflicting classifications (1 of 4 stars). 3 submissions from 3 submitters: Uncertain significance (1); Likely benign (1). 1 of the submissions does not count toward it. Last evaluated 2025-10-14.

Conditions:
TENM3-related disorder. Also called: TENM3-related condition.

Allele frequency attached by ClinVar (database versions not stated): ESP Exome Variant Server 0.00016; TOPMed 0.00045; 1000 Genomes Project 30x 0.00047; 1000 Genomes Project 0.00060; gnomAD 0.00065; ExAC 0.00189.
gnomAD v4.1: 1,777 of 1,492,570 alleles (0.12%); highest among the groups gnomAD compares: Non-Finnish European, 0.14%; 1 homozygote.

Submissions (3):

Labcorp Genetics (formerly Invitae), Labcorp
Classification: Likely benign. Last evaluated: 2025-10-14. Review status: criteria provided, single submitter. Criteria: Invitae Variant Classification Sherloc (09022015). Collection method: clinical testing. Allele origin: germline.

Blueprint Genetics
Classification: Uncertain significance. Last evaluated: 2024-10-28. Review status: criteria provided, single submitter. Criteria: ACMG Guidelines, 2015. Collection method: clinical testing. Allele origin: germline.

PreventionGenetics, part of Exact Sciences
Classification: Likely benign for TENM3-related condition. Last evaluated: 2022-10-21. Review status: no assertion criteria provided. Collection method: clinical testing. Allele origin: germline. Not counted in ClinVar's aggregate classification.
Comment: This variant is classified as likely benign based on ACMG/AMP sequence variant interpretation guidelines (Richards et al. 2015 PMID: 25741868, with internal and published modifications).